The following is an entry in ClinVar:

ClinVar aggregate classification (germline): Benign. Review status: criteria provided, multiple submitters, no conflicts (2 of 4 stars). 2 submissions from 2 submitters: Benign (2). Last evaluated 2018-06-19.

Allele frequency attached by ClinVar (database versions not stated): TOPMed 0.73216; gnomAD 0.73377 and 0.73514; 1000 Genomes Project 30x 0.74172; 1000 Genomes Project 0.74321.

Submissions (2):

GeneDx
Classification: Benign. Last evaluated: 2018-06-19. Review status: criteria provided, single submitter. Criteria: GeneDx Variant Classification (06012015). Collection method: clinical testing. Allele origin: germline. Affected: yes.
Comment: This variant is considered likely benign or benign based on one or more of the following criteria: it is a conservative change, it occurs at a poorly conserved position in the protein, it is predicted to be benign by multiple in silico algorithms, and/or has population frequency not consistent with disease.

Breakthrough Genomics
Classification: Benign. Review status: criteria provided, single submitter. Criteria: ACMG Guidelines, 2015. Collection method: not provided. Allele origin: germline. Inheritance: Autosomal recessive inheritance. Affected: yes.

NM_002778.4(PSAP):c.778-1756C>G

Gene: PSAP (prosaposin; minus strand). Cytogenetic location: 10q22.1.
Variant type: single nucleotide variant.
Coding change: c.778-1756C>G on transcript NM_002778.4 (MANE Select); 1756 bases into the intron before coding-DNA position 778, C replaced by G.
Molecular consequence: intron variant.
Genome position (GRCh38, 1-based): chr10:71,823,763, G>C on the plus strand (C>G on the coding strand, the complement: PSAP is on the minus strand). VCF-style: chr10-71823763-G-C. GRCh37 (hg19) VCF-style: chr10-73583520-G-C.
Other names: c.783+125C>G (NM_001042466.3); c.786+125C>G (NM_001042465.3).
Identifiers: ClinVar variation 680724 (VCV000680724.2), dbSNP rs2249814, ClinGen allele CA13159498.